The following is an entry in ClinVar:

ClinVar aggregate classification (germline): Uncertain significance (1 of 4 stars; one submission).

Allele frequency attached by ClinVar (database versions not stated): gnomAD exomes below 0.00001; TOPMed below 0.00001; gnomAD 0.00001.
gnomAD v4.1: 3 of 1,614,072 alleles (0.00019%); highest among the groups gnomAD compares: Non-Finnish European, 0.00025%; no homozygotes.

Submission:

Labcorp Genetics (formerly Invitae), Labcorp
Classification: Uncertain significance. Last evaluated: 2023-11-19. Review status: criteria provided, single submitter. Criteria: Invitae Variant Classification Sherloc (09022015). Collection method: clinical testing. Allele origin: germline.
Comment: This sequence change replaces leucine, which is neutral and non-polar, with proline, which is neutral and non-polar, at codon 398 of the DSCAML1 protein (p.Leu398Pro). This variant is present in population databases (no rsID available, gnomAD 0.007%). This variant has not been reported in the literature in individuals affected with DSCAML1-related conditions. ClinVar contains an entry for this variant (Variation ID: 2099523). Algorithms developed to predict the effect of missense changes on protein structure and function output the following: SIFT: "Not Available"; PolyPhen-2: "Benign"; Align-GVGD: "Not Available". The proline amino acid residue is found in multiple mammalian species, which suggests that this missense change does not adversely affect protein function. In summary, the available evidence is currently insufficient to determine the role of this variant in disease. Therefore, it has been classified as a Variant of Uncertain Significance.

NM_020693.4(DSCAML1):c.1013T>C (p.Leu338Pro)

Gene: DSCAML1 (DS cell adhesion molecule like 1; minus strand). Cytogenetic location: 11q23.3.
Variant type: single nucleotide variant.
Coding change: c.1013T>C on transcript NM_020693.4 (MANE Select); coding-DNA position 1013, T replaced by C.
Protein change: p.Leu338Pro; replaces leucine 338 with proline.
Molecular consequence: missense variant.
Genome position (GRCh38, 1-based): chr11:117,521,330, A>G on the plus strand (T>C on the coding strand, the complement: DSCAML1 is on the minus strand). VCF-style: chr11-117521330-A-G. GRCh37 (hg19) VCF-style: chr11-117392045-A-G.
Other names: c.1013T>C, p.Leu338Pro (NM_001367904.1); c.605T>C, p.Leu202Pro (NM_001367905.1); short protein forms L202P, L338P.
Identifiers: ClinVar variation 2099523 (VCV002099523.4), dbSNP rs1313324289, ClinGen allele CA382748358.
Genomic context (GRCh38, chr11:117,521,330, plus strand): 5'-TCAGGCAGCACCAGCTCCGTGTTGCGATACCAGCGGATGGTGAACTCTGGGGAGCCCGTC[A>G]GGGCACAGGAGAGGATGACCGTGCTGCCAATGCCGGTCTTCAGCTTCTTTGGTGTCAGGG-3'
Protein context (NP_065744.3, residues 328-348): IGSTVILSCA[Leu338Pro]TGSPEFTIRW